The following is an entry in ClinVar:

NM_006231.4(POLE):c.3275+4A>T

Gene: POLE (DNA polymerase epsilon, catalytic subunit; minus strand). Cytogenetic location: 12q24.33.
Variant type: single nucleotide variant.
Coding change: c.3275+4A>T on transcript NM_006231.4 (MANE Select); 4 bases into the intron after coding-DNA position 3275, A replaced by T.
Molecular consequence: intron variant.
Genome position (GRCh38, 1-based): chr12:132,659,291, T>A on the plus strand (A>T on the coding strand, the complement: POLE is on the minus strand). VCF-style: chr12-132659291-T-A. GRCh37 (hg19) VCF-style: chr12-133235877-T-A.
Identifiers: ClinVar variation 657860 (VCV000657860.6), dbSNP rs1593772121, ClinGen allele CA915946836.

ClinVar aggregate classification (germline): Uncertain significance (1 of 4 stars; one submission).

Submission:

Labcorp Genetics (formerly Invitae), Labcorp
Classification: Uncertain significance. Last evaluated: 2018-08-14. Review status: criteria provided, single submitter. Criteria: Invitae Variant Classification Sherloc (09022015). Collection method: clinical testing. Allele origin: germline.
Comment: This variant is not present in population databases (ExAC no frequency). This sequence change falls in intron 26 of the POLE gene. It does not directly change the encoded amino acid sequence of the POLE protein, but it affects a nucleotide within the consensus splice site of the intron. This variant has not been reported in the literature in individuals with POLE-related disease. In summary, the available evidence is currently insufficient to determine the role of this variant in disease. Therefore, it has been classified as a Variant of Uncertain Significance. Nucleotide substitutions within the consensus splice site are a relatively common cause of aberrant splicing (PMID: 17576681, 9536098). Algorithms developed to predict the effect of sequence changes on RNA splicing suggest that this variant may disrupt the consensus splice site, but this prediction has not been confirmed by published transcriptional studies.

Literature cited by the submitters: PubMed 17576681; PubMed 9536098.